The following is an entry in ClinVar:

NM_000170.3(GLDC):c.195dup (p.Arg66fs)

Gene: GLDC (glycine decarboxylase; minus strand). Cytogenetic location: 9p24.1.
Variant type: Duplication.
Coding change: c.195dup on transcript NM_000170.3 (MANE Select); coding-DNA position 195, one base duplicated (G; older notation c.195dupG).
Protein change: p.Arg66fs; shifts the reading frame from arginine 66.
Molecular consequence: frameshift variant.
Genome position (GRCh38, 1-based): chr9:6,645,305, C duplicated on the plus strand (G on the coding strand, the reverse complement: GLDC is on the minus strand); the first of 2 consecutive C bases (chr9:6,645,305-6,645,306); duplicating either gives the same sequence. VCF-style (leftmost placement, unchanged base first): chr9-6645304-T-TC. GRCh37 (hg19) VCF-style: chr9-6645304-T-TC.
Other names: short protein forms R66fs.
Identifiers: ClinVar variation 5012276 (VCV005012276.1).

ClinVar aggregate classification (germline): Pathogenic (1 of 4 stars; one submission).

Conditions:
Glycine encephalopathy 1 (GCE1). Identifiers: MedGen CN376801, MONDO:0958179, OMIM 605899.

Submission:

Myriad Genetics, Inc.
Classification: Pathogenic for Glycine encephalopathy 1. Last evaluated: 2023-09-27. Review status: criteria provided, single submitter. Criteria: Myriad Autosomal Dominant, Autosomal Recessive and X-Linked Classification Criteria (2023). Collection method: clinical testing. Allele origin: unknown.
Comment: NM_000170.2(GLDC):c.195dupG(R66Efs*23) is expected to be pathogenic in the context of glycine encephalopathy, GLDC-related. This variant is predicted to lead to an abnormal or absent protein product due to the creation of a premature termination codon in GLDC, a gene where loss-of-function variants are known to be pathogenic. Please note: this variant was assessed in the context of healthy population screening.